The following is an entry in ClinVar:

NM_000059.4(BRCA2):c.631G>C (p.Val211Leu)

Gene: BRCA2 (BRCA2 DNA repair associated; plus strand). Cytogenetic location: 13q13.1.
Variant type: single nucleotide variant.
Coding change: c.631G>C on transcript NM_000059.4 (MANE Select); coding-DNA position 631, G replaced by C.
Protein change: p.Val211Leu; replaces valine 211 with leucine.
Molecular consequence: missense variant.
Genome position (GRCh38, 1-based): chr13:32,326,613, G>C. VCF-style: chr13-32326613-G-C. GRCh37 (hg19) VCF-style: chr13-32900750-G-C.
Other names: 859G>C; short protein forms V211L.
Identifiers: ClinVar variation 38035 (VCV000038035.27), dbSNP rs80358871, ClinGen allele CA023872.

ClinVar aggregate classification (germline): Pathogenic/Likely pathogenic. Review status: criteria provided, multiple submitters, no conflicts (2 of 4 stars). 12 submissions from 12 submitters: Pathogenic (6); Likely pathogenic (4). 2 of the submissions do not count toward it. Last evaluated 2025-08-21.

Conditions:
BRCA2-related cancer predisposition. Identifiers: MedGen CN377758, MONDO:0700269.
BRCA2-related disorder. Also called: BRCA2-related condition; BRCA2-related disorders. Identifiers: MedGen CN239275.
Hereditary cancer-predisposing syndrome. Also called: Neoplastic Syndromes, Hereditary; Hereditary neoplastic syndrome; Tumor predisposition; Hereditary Cancer Syndrome. Identifiers: Orphanet 140162, MedGen C0027672, MeSH D009386, MONDO:0015356.
Hereditary breast ovarian cancer syndrome. Also called: Hereditary breast and/or ovarian cancer syndrome; Breast and ovarian cancer; BRCA1- and BRCA2-Associated Hereditary Breast and Ovarian Cancer; Hereditary breast and ovarian cancer; Hereditary breast and ovarian cancer syndrome; Hereditary breast and ovarian cancer syndrome (HBOC). Identifiers: Orphanet 145, MedGen C0677776, MeSH D061325, MONDO:0003582. Disease mechanism: loss of function.
Breast-ovarian cancer, familial, susceptibility to, 2 (BROVCA2). Also called: BRCA2 Hereditary Breast and Ovarian Cancer. Identifiers: Orphanet 145, MedGen C2675520, MONDO:0012933, OMIM 612555. Disease mechanism: loss of function.

gnomAD v4.1: 1 of 1,576,548 alleles (0.000063%); highest among the groups gnomAD compares: Non-Finnish European, 0.000087%; no homozygotes.

Submissions 1 to 6 of 12:

Ambry Genetics
Classification: Likely pathogenic for Hereditary cancer-predisposing syndrome. Last evaluated: 2025-08-21. Review status: criteria provided, single submitter. Criteria: Ambry Variant Classification Scheme 2023. Collection method: clinical testing. Allele origin: germline.
Comment: The c.631G>C variant (also known as p.V211L), located in coding exon 6 of the BRCA2 gene, results from a G to C substitution at nucleotide position 631. The valine at codon 211 is replaced by leucine, an amino acid with highly similar properties. This alteration has been reported in multiple individuals undergoing genetic testing for hereditary breast and/or ovarian cancer (Lin PH et al. Oncotarget. 2016 Feb;7:8310-20; Crawford B et al. Breast Cancer Res Treat. 2017 Jun;163(2):383-390; Rebbeck TR et al. Hum Mutat. 2018 May;39(5):593-620; Bhaskaran SP et al. Int J Cancer. 2019 Aug;145(4):962-973; Laitman Y et al. Hum Mutat. 2019 Nov;40(11):e1-e23 ). This variant is considered to be rare based on population cohorts in the Genome Aggregation Database (gnomAD). This change occurs in the last base pair of coding exon 6, which makes it likely to have some effect on normal mRNA splicing. In silico splice site analysis predicts that this alteration will weaken the native splice donor site. RNA studies have demonstrated that this alteration results in abnormal splicing in the set of samples tested (Ambry internal data; Di Giacomo D et al. Hum. Mutat. 2013 Nov;34:1547-57). Another alteration impacting the same donor site (c.631+2T>G) has been shown to have a similar impact on splicing in and has been identified in the homozygous state and in the compound heterozygous state with other pathogenic BRCA2 mutations in individuals with Fanconi anemia (Wagner JE et al. Blood. 2004 Apr;103:3226-9). This nucleotide position is highly conserved in available vertebrate species. Based on the majority of available evidence to date, this variant is likely to be pathogenic. However, because a variant with the same splicing profile as this variant has been identified in one or more patients with Fanconi Anemia it may be hypomorphic and thus, carriers of this variant and their families may present with reduced risks, and not with the typical clinical characteristics of a high-risk pathogenic BRCA2 alteration. As risk estimates are unknown at this time, clinical correlation is advised.

Blueprint Genetics
Classification: Likely pathogenic for BRCA2-related disorders. Last evaluated: 2024-09-24. Review status: criteria provided, single submitter. Criteria: ACMG Guidelines, 2015. Collection method: clinical testing. Allele origin: germline. Affected: yes. Observed: 4 variant alleles.

Labcorp Genetics (formerly Invitae), Labcorp
Classification: Pathogenic for Hereditary breast ovarian cancer syndrome. Last evaluated: 2024-08-31. Review status: criteria provided, single submitter. Criteria: Invitae Variant Classification Sherloc (09022015). Collection method: clinical testing. Allele origin: germline.
Comment: This sequence change affects codon 211 of the BRCA2 mRNA. It is a 'silent' change, meaning that it does not change the encoded amino acid sequence of the BRCA2 protein. RNA analysis indicates that this variant induces altered splicing and may result in an absent or altered protein product. This variant is not present in population databases (gnomAD no frequency). This variant has been observed in individual(s) with breast cancer and/or ovarian cancer (PMID: 26824983, 28281021, 31090900). ClinVar contains an entry for this variant (Variation ID: 38035). An algorithm developed to predict the effect of missense changes on protein structure and function (PolyPhen-2) suggests that this variant is likely to be disruptive. Variants that disrupt the consensus splice site are a relatively common cause of aberrant splicing (PMID: 17576681, 9536098). Studies have shown that this variant alters mRNA splicing and is expected to lead to the loss of protein expression (PMID: 23983145; internal data). This variant disrupts the c.631G nucleotide in the BRCA2 gene. Other variant(s) that disrupt this nucleotide have been determined to be pathogenic (PMID: 19179552, 22962691, 23451180). This suggests that this nucleotide is clinically significant, and that variants that disrupt this position are likely to be disease-causing. For these reasons, this variant has been classified as Pathogenic.

Color Diagnostics, LLC DBA Color Health
Classification: Pathogenic for Hereditary cancer-predisposing syndrome. Last evaluated: 2024-06-18. Review status: criteria provided, single submitter. Criteria: ACMG Guidelines, 2015. Collection method: clinical testing. Allele origin: germline.
Comment: This variant replaces c.G with c.C at c.631 nucleotide position of the BRCA2 gene. This variant alters the last nucleotide position of exon 7 and is predicted to impair RNA splicing. A functional RNA study using a mini-gene assay has shown that this variant causes out-of-frame skipping of exon 7 and use of an alternative splice site 70 nucleotides upstream (PMID: 23983145). Both abnormal transcript products would result in frameshift and premature truncation. This variant has been reported in individuals affected with breast cancer (PMID: 26824983, 31090900, 33471991) and has been identified in 9 families among CIMBA participants (PMID: 29446198). This variant has not been identified in the general population by the Genome Aggregation Database (gnomAD). A different variant occurring at the same nucleotide position, c.631G>A, is a well documented pathogenic variant due to its deleterious impact on RNA splicing (ClinVar variation ID: 52058). Loss of BRCA2 function is a known mechanism of disease. Based on the available evidence, this variant is classified as Pathogenic.

All of Us Research Program, National Institutes of Health
Classification: Pathogenic for BRCA2-related cancer predisposition. Last evaluated: 2024-05-07. Review status: criteria provided, single submitter. Criteria: ACMG Guidelines, 2015. Collection method: clinical testing. Allele origin: germline. Inheritance: Autosomal dominant inheritance. Observed: 1 variant allele, 1 heterozygote.
Comment: This variant replaces c.G with c.C at c.631 nucleotide position of the BRCA2 gene. This variant alters the last nucleotide position of exon 7 and is predicted to impair RNA splicing. A functional RNA study using a mini-gene assay has shown that this variant causes out-of-frame skipping of exon 7 and use of an alternative splice site 70 nucleotides upstream (PMID: 23983145). Both abnormal transcript products would result in frameshift and premature truncation. This variant has been reported in individuals affected with breast cancer (PMID: 26824983, 31090900, 33471991) and has been identified in 9 families among CIMBA participants (PMID: 29446198). This variant has not been identified in the general population by the Genome Aggregation Database (gnomAD). A different variant occurring at the same nucleotide position, c.631G>A, is a well documented pathogenic variant due to its deleterious impact on RNA splicing (ClinVar variation ID: 52058). Loss of BRCA2 function is a known mechanism of disease. Based on the available evidence, this variant is classified as Pathogenic.

This study involves interpretation of variants in research participants for the purpose of population health screening. Participant phenotype was not available at the time of variant classification. Additional details can be found in publication PMID: 35346344, PMCID: PMC8962531

Revvity Omics, Revvity
Classification: Likely pathogenic. Last evaluated: 2022-08-19. Review status: criteria provided, single submitter. Criteria: ACMG Guidelines, 2015. Collection method: clinical testing. Allele origin: germline.